The following is an entry in ClinVar:

ClinVar aggregate classification (germline): Pathogenic/Likely pathogenic. Review status: criteria provided, multiple submitters, no conflicts (2 of 4 stars). 2 submissions from 2 submitters: Pathogenic (1); Likely pathogenic (1). Last evaluated 2022-12-03.

Conditions:
Neuronal ceroid lipofuscinosis 11. Also called: GRN-Related Neuronal Ceroid-Lipofuscinosis. Identifiers: Orphanet 314629, Orphanet 79262, MedGen C3539123, MONDO:0013866, OMIM 614706.
GRN-related frontotemporal lobar degeneration with Tdp43 inclusions (FTD2). Also called: FRONTOTEMPORAL LOBAR DEGENERATION WITH UBIQUITIN-POSITIVE INCLUSIONS; FTLD-TDP, GRN-RELATED; GRN Frontotemporal Dementia; FRONTOTEMPORAL DEMENTIA WITH TDP43 INCLUSIONS, GRN-RELATED; DEMENTIA, HEREDITARY DYSPHASIC DISINHIBITION. Identifiers: Orphanet 100070, Orphanet 282, MedGen C1843792, MONDO:0011842, OMIM 607485. Disease mechanism: loss of function.

Submissions (2):

Labcorp Genetics (formerly Invitae), Labcorp
Classification: Likely pathogenic for Neuronal ceroid lipofuscinosis 11; GRN-related frontotemporal lobar degeneration with Tdp43 inclusions. Last evaluated: 2022-12-03. Review status: criteria provided, single submitter. Criteria: Invitae Variant Classification Sherloc (09022015). Collection method: clinical testing. Allele origin: germline.
Comment: This sequence change affects an acceptor splice site in intron 6 of the GRN gene. It is expected to disrupt RNA splicing. Variants that disrupt the donor or acceptor splice site typically lead to a loss of protein function (PMID: 16199547), and loss-of-function variants in GRN are known to be pathogenic (PMID: 16862116, 16950801, 22608501). In summary, the currently available evidence indicates that the variant is pathogenic, but additional data are needed to prove that conclusively. Therefore, this variant has been classified as Likely Pathogenic. Algorithms developed to predict the effect of sequence changes on RNA splicing suggest that this variant may disrupt the consensus splice site. ClinVar contains an entry for this variant (Variation ID: 447476). This variant has not been reported in the literature in individuals affected with GRN-related conditions. This variant is not present in population databases (gnomAD no frequency).

Athena Diagnostics
Classification: Pathogenic. Last evaluated: 2017-03-10. Review status: criteria provided, single submitter. Criteria: Athena Diagnostics Criteria. Collection method: clinical testing. Allele origin: germline.

Literature cited by the submitters: PubMed 16199547 (cited by Labcorp Genetics (formerly Invitae), Labcorp); PubMed 16862116 (cited by Labcorp Genetics (formerly Invitae), Labcorp); PubMed 16950801 (cited by Labcorp Genetics (formerly Invitae), Labcorp); PubMed 22608501 (cited by Labcorp Genetics (formerly Invitae), Labcorp).

NM_002087.4(GRN):c.599-1G>A

Gene: GRN (granulin precursor; plus strand). Cytogenetic location: 17q21.31.
Variant type: single nucleotide variant.
Coding change: c.599-1G>A on transcript NM_002087.4 (MANE Select); the canonical splice acceptor site of the intron before coding-DNA position 599, G replaced by A.
Molecular consequence: splice acceptor variant.
Genome position (GRCh38, 1-based): chr17:44,350,690, G>A. VCF-style: chr17-44350690-G-A. GRCh37 (hg19) VCF-style: chr17-42428058-G-A.
Identifiers: ClinVar variation 447476 (VCV000447476.4), dbSNP rs1555611154, ClinGen allele CA399764061.